The following is an entry in ClinVar:

ClinVar aggregate classification (germline): Likely pathogenic (1 of 4 stars; one submission).

Conditions:
Megalencephalic leukoencephalopathy with subcortical cysts 1 (MLC1). Also called: LEUKOENCEPHALOPATHY WITH SWELLING AND CYSTS; VACUOLATING MEGALENCEPHALIC LEUKOENCEPHALOPATHY WITH SUBCORTICAL CYSTS. Identifiers: Orphanet 2478, MedGen C5779875, MONDO:0024555, OMIM 604004.

Submission:

Myriad Genetics, Inc.
Classification: Likely pathogenic for Megalencephalic leukoencephalopathy with subcortical cysts 1. Last evaluated: 2022-01-25. Review status: criteria provided, single submitter. Criteria: Myriad Women's Health Autosomal Recessive and X-Linked Classification Criteria (2021). Collection method: clinical testing. Allele origin: unknown.
Comment: NM_015166.3(MLC1):c.383G>A(W128*) is expected to be pathogenic in the context of megalencephalic leukoencephalopathy with subcortical cysts. This variant is predicted to lead to an abnormal or absent protein product due to the creation of a premature termination codon in MLC1, a gene where loss-of-function variants are known to be pathogenic. Please note: this variant was assessed in the context of healthy population screening.

NM_015166.4(MLC1):c.383G>A (p.Trp128Ter)

Gene: MLC1 (modulator of VRAC current 1; minus strand). Cytogenetic location: 22q13.33.
Variant type: single nucleotide variant.
Coding change: c.383G>A on transcript NM_015166.4 (MANE Select); coding-DNA position 383, G replaced by A.
Protein change: p.Trp128Ter; replaces tryptophan 128 with a stop codon.
Molecular consequence: nonsense. On other transcripts: non-coding transcript variant (3), intron variant (3).
Genome position (GRCh38, 1-based): chr22:50,079,958, C>T on the plus strand (G>A on the coding strand, the complement: MLC1 is on the minus strand). VCF-style: chr22-50079958-C-T. GRCh37 (hg19) VCF-style: chr22-50518387-C-T.
Other names: c.383G>A, p.Trp128Ter (NM_001376472.1, NM_001376473.1, NM_001376474.1 and 6 more transcripts); c.293G>A, p.Trp98Ter (NM_001376480.1); c.146G>A, p.Trp49Ter (NM_001376484.1); c.268-2456G>A (NM_001376482.1, NM_001376483.1); c.321+386G>A (NM_001376481.1); short protein forms W128*, W49*, W98*.
Identifiers: ClinVar variation 1724083 (VCV001724083.2), dbSNP rs2518333804, ClinGen allele CA412110656.